The following is an entry in ClinVar:

NM_000525.4(KCNJ11):c.1071A>T (p.Glu357Asp)

Gene: KCNJ11 (potassium inwardly rectifying channel subfamily J member 11; minus strand). Cytogenetic location: 11p15.1.
Variant type: single nucleotide variant.
Coding change: c.1071A>T on transcript NM_000525.4 (MANE Select); coding-DNA position 1071, A replaced by T.
Protein change: p.Glu357Asp; replaces glutamic acid 357 with aspartic acid.
Molecular consequence: missense variant.
Genome position (GRCh38, 1-based): chr11:17,387,021, T>A on the plus strand (A>T on the coding strand, the complement: KCNJ11 is on the minus strand). VCF-style: chr11-17387021-T-A. GRCh37 (hg19) VCF-style: chr11-17408568-T-A.
Other names: c.810A>T, p.Glu270Asp (NM_001166290.2, NM_001377296.1, NM_001377297.1); short protein forms E270D, E357D.
Identifiers: ClinVar variation 4086421 (VCV004086421.1).

ClinVar aggregate classification (germline): Uncertain significance (1 of 4 stars; one submission).

Submission:

GeneDx
Classification: Uncertain significance. Last evaluated: 2025-03-21. Review status: criteria provided, single submitter. Criteria: GeneDx Variant Classification Process June 2021. Collection method: clinical testing. Allele origin: germline. Affected: yes.
Comment: Not observed at significant frequency in large population cohorts (gnomAD); In silico analysis indicates that this missense variant does not alter protein structure/function; Has not been previously published as pathogenic or benign to our knowledge